The following is an entry in ClinVar:

NM_004946.3(DOCK2):c.3140T>G (p.Phe1047Cys)

Gene: DOCK2 (dedicator of cytokinesis 2; plus strand). Cytogenetic location: 5q35.1.
Variant type: single nucleotide variant.
Coding change: c.3140T>G on transcript NM_004946.3 (MANE Select); coding-DNA position 3140, T replaced by G.
Protein change: p.Phe1047Cys; replaces phenylalanine 1047 with cysteine.
Molecular consequence: missense variant. On other transcripts: non-coding transcript variant (1).
Genome position (GRCh38, 1-based): chr5:170,008,564, T>G. VCF-style: chr5-170008564-T-G. GRCh37 (hg19) VCF-style: chr5-169435568-T-G.
Other names: c.3140T>G, p.Phe1047Cys (LRG_1227t1); short protein forms F1047C.
Identifiers: ClinVar variation 567979 (VCV000567979.8), dbSNP rs145444170, ClinGen allele CA3554112.

ClinVar aggregate classification (germline): Uncertain significance. Review status: criteria provided, multiple submitters, no conflicts (2 of 4 stars). 2 submissions from 2 submitters: Uncertain significance (2). Last evaluated 2023-06-02.

Conditions:
Inborn genetic diseases. Identifiers: MedGen C0950123, MeSH D030342.
DOCK2 deficiency. Also called: Immunodeficiency 40. Identifiers: Orphanet 447737, MedGen C4225328, MONDO:0014637, OMIM 616433.

Allele frequency attached by ClinVar (database versions not stated): gnomAD exomes 0.00001 and 0.00004; ExAC 0.00003; gnomAD 0.00015 and 0.00019; TOPMed 0.00019; ESP Exome Variant Server 0.00031.
gnomAD v4.1: 43 of 1,614,008 alleles (0.0027%); highest among the groups gnomAD compares: African/African-American, 0.048%; no homozygotes.

Submissions (2):

Ambry Genetics
Classification: Uncertain significance for Inborn genetic diseases. Last evaluated: 2023-06-02. Review status: criteria provided, single submitter. Criteria: Ambry Variant Classification Scheme 2023. Collection method: clinical testing. Allele origin: germline.

Labcorp Genetics (formerly Invitae), Labcorp
Classification: Uncertain significance for DOCK2 deficiency. Last evaluated: 2022-11-03. Review status: criteria provided, single submitter. Criteria: Invitae Variant Classification Sherloc (09022015). Collection method: clinical testing. Allele origin: germline.
Comment: In summary, the available evidence is currently insufficient to determine the role of this variant in disease. Therefore, it has been classified as a Variant of Uncertain Significance. Algorithms developed to predict the effect of missense changes on protein structure and function are either unavailable or do not agree on the potential impact of this missense change (SIFT: "Deleterious"; PolyPhen-2: "Probably Damaging"; Align-GVGD: "Class C0"). ClinVar contains an entry for this variant (Variation ID: 567979). This variant has not been reported in the literature in individuals affected with DOCK2-related conditions. This variant is present in population databases (rs145444170, gnomAD 0.04%). This sequence change replaces phenylalanine, which is neutral and non-polar, with cysteine, which is neutral and slightly polar, at codon 1047 of the DOCK2 protein (p.Phe1047Cys).